The following is an entry in ClinVar:

NM_001145358.2(SIN3A):c.3336G>A (p.Ser1112=)

Gene: SIN3A (SIN3 transcription regulator family member A; minus strand). Cytogenetic location: 15q24.2.
Variant type: single nucleotide variant.
Coding change: c.3336G>A on transcript NM_001145358.2 (MANE Select); coding-DNA position 3336, G replaced by A.
Protein change: p.Ser1112=; no amino-acid change (serine 1112 retained).
Molecular consequence: synonymous variant.
Genome position (GRCh38, 1-based): chr15:75,380,676, C>T on the plus strand (G>A on the coding strand, the complement: SIN3A is on the minus strand). VCF-style: chr15-75380676-C-T. GRCh37 (hg19) VCF-style: chr15-75673017-C-T.
Other names: c.3336G>A, p.Ser1112= (NM_001145357.2, NM_015477.3).
Identifiers: ClinVar variation 3067684 (VCV003067684.21), dbSNP rs373137269, ClinGen allele CA272900394.

ClinVar aggregate classification (germline): Likely benign (1 of 4 stars; one submission).

Allele frequency attached by ClinVar (database versions not stated): gnomAD 0.00001; gnomAD exomes 0.00002; TOPMed 0.00002; ESP Exome Variant Server 0.00008.
gnomAD v4.1: 27 of 1,613,886 alleles (0.0017%); highest among the groups gnomAD compares: East Asian, 0.0022%; no homozygotes.

Submission:

CeGaT Center for Human Genetics Tuebingen
Classification: Likely benign. Last evaluated: 2024-03-01. Review status: criteria provided, single submitter. Criteria: CeGaT Center For Human Genetics Tuebingen Variant Classification Criteria Version 2. Collection method: clinical testing. Allele origin: germline. Affected: yes. Observed: 1 variant allele.
Comment: SIN3A: BP4, BP7